The following is an entry in ClinVar:

ClinVar aggregate classification (germline): Uncertain significance (1 of 4 stars; one submission).

gnomAD v4.1: 4 of 1,614,160 alleles (0.00025%); highest among the groups gnomAD compares: Non-Finnish European, 0.00025%; no homozygotes.

Submission:

Women's Health and Genetics/Laboratory Corporation of America, LabCorp
Classification: Uncertain significance. Last evaluated: 2025-06-06. Review status: criteria provided, single submitter. Criteria: LabCorp Variant Classification Summary - May 2015. Collection method: clinical testing. Allele origin: germline.
Comment: Variant summary: SLC7A9 c.187G>A (p.Gly63Arg) results in a non-conservative amino acid change in the encoded protein sequence. Algorithms developed to predict the effect of missense changes on protein structure and function all suggest that this variant is likely to be disruptive. The frequency data for this variant in gnomAD is considered unreliable, as metrics indicate poor data quality at this position. c.187G>A has been observed in individuals affected with Cystinuria (Font_2001). This report does not provide unequivocal conclusions about association of the variant with Cystinuria. To our knowledge, no experimental evidence demonstrating an impact on protein function has been reported. The following publication has been ascertained in the context of this evaluation (PMID: 11157794). No submitters have cited clinical-significance assessments for this variant to ClinVar. Based on the evidence outlined above, the variant was classified as uncertain significance.

Literature cited by the submitters: PubMed 11157794.

NM_014270.5(SLC7A9):c.187G>A (p.Gly63Arg)

Gene: SLC7A9 (solute carrier family 7 member 9; minus strand). Cytogenetic location: 19q13.11.
Variant type: single nucleotide variant.
Coding change: c.187G>A on transcript NM_014270.5 (MANE Select); coding-DNA position 187, G replaced by A.
Protein change: p.Gly63Arg; replaces glycine 63 with arginine.
Molecular consequence: missense variant.
Genome position (GRCh38, 1-based): chr19:32,864,677, C>T on the plus strand (G>A on the coding strand, the complement: SLC7A9 is on the minus strand). VCF-style: chr19-32864677-C-T. GRCh37 (hg19) VCF-style: chr19-33355583-C-T.
Other names: c.187G>A, p.Gly63Arg (NM_001126335.2, NM_001243036.2); short protein forms G63R.
Identifiers: ClinVar variation 3907325 (VCV003907325.1).